The following is an entry in ClinVar:

ClinVar aggregate classification (germline): Pathogenic. Review status: criteria provided, multiple submitters, no conflicts (2 of 4 stars). 3 submissions from 3 submitters: Pathogenic (3). Last evaluated 2025-07-08.

Conditions:
Hypertrophic cardiomyopathy. Also called: HYPERTROPHIC MYOCARDIOPATHY. Identifiers: Orphanet 217569, MedGen C0007194, MeSH D002312, MONDO:0005045, HP:0001639.

Submissions (3):

GeneDx
Classification: Pathogenic. Last evaluated: 2025-07-08. Review status: criteria provided, single submitter. Criteria: GeneDx Variant Classification Process June 2021. Collection method: clinical testing. Allele origin: germline. Affected: yes.
Comment: Identified in patients with HCM in published literature (PMID: 26914223, 24793961); Frameshift variant predicted to result in protein truncation or nonsense mediated decay in a gene for which loss of function is a known mechanism of disease; Not observed at significant frequency in large population cohorts (gnomAD); This variant is associated with the following publications: (PMID: 24793961, 26914223, 28840316)

Labcorp Genetics (formerly Invitae), Labcorp
Classification: Pathogenic for Hypertrophic cardiomyopathy. Last evaluated: 2021-11-01. Review status: criteria provided, single submitter. Criteria: Invitae Variant Classification Sherloc (09022015). Collection method: clinical testing. Allele origin: germline.
Comment: This variant is not present in population databases (gnomAD no frequency). This premature translational stop signal has been observed in individual(s) with hypertrophic cardiomyopathy (PMID: 26914223). ClinVar contains an entry for this variant (Variation ID: 228371). For these reasons, this variant has been classified as Pathogenic. This sequence change creates a premature translational stop signal (p.Asn1171Thrfs*18) in the MYBPC3 gene. It is expected to result in an absent or disrupted protein product. Loss-of-function variants in MYBPC3 are known to be pathogenic (PMID: 19574547).

Laboratory for Molecular Medicine, Mass General Brigham Personalized Medicine
Classification: Pathogenic for Hypertrophic cardiomyopathy. Last evaluated: 2015-04-01. Review status: criteria provided, single submitter. Criteria: LMM Criteria. Collection method: clinical testing. Allele origin: germline. Inheritance: Autosomal dominant inheritance. Observed: 1 variant allele.
Comment: The p.Asn1171fs variant in MYBPC3 has not been previously identified in individu als with cardiomyopathy and was absent from large population studies. This varia nt is predicted to cause a frameshift, which alters the protein?s amino acid seq uence beginning at position 1171 and leads to a premature termination codon 18 a mino acids downstream. This alteration is then predicted to lead to a truncated or absent protein. Heterozygous loss of function of the MYBPC3 gene is an establ ished disease mechanism in cardiomyopathy. In summary, this variant meets our cr iteria to be classified as pathogenic for HCM in an autosomal dominant manner.

Literature cited by the submitters: PubMed 26914223 (cited by Labcorp Genetics (formerly Invitae), Labcorp); PubMed 19574547 (cited by Labcorp Genetics (formerly Invitae), Labcorp).

NM_000256.3(MYBPC3):c.3512del (p.Asn1171fs)

Gene: MYBPC3 (myosin binding protein C3; minus strand). Cytogenetic location: 11p11.2.
Variant type: Deletion.
Coding change: c.3512del on transcript NM_000256.3 (MANE Select); coding-DNA position 3512, one base deleted (A; older notation c.3512delA).
Protein change: p.Asn1171fs; shifts the reading frame from asparagine 1171.
Molecular consequence: frameshift variant.
Genome position (GRCh38, 1-based): chr11:47,332,681, T deleted on the plus strand (A on the coding strand, the reverse complement: MYBPC3 is on the minus strand); the first of 2 consecutive T bases (chr11:47,332,681-47,332,682); deleting either gives the same sequence. VCF-style (leftmost placement, unchanged base first): chr11-47332680-GT-G. GRCh37 (hg19) VCF-style: chr11-47354231-GT-G.
Other names: c.3512delA (NM_000256.3); c.3512del, p.Asn1171fs (LRG_386t1); short protein forms N1171fs.
Identifiers: ClinVar variation 228371 (VCV000228371.12), dbSNP rs876657706, ClinGen allele CA10576881.